The following is an entry in ClinVar:

NM_001378418.1(TCF20):c.3491T>C (p.Leu1164Pro)

Gene: TCF20 (transcription factor 20; minus strand). Cytogenetic location: 22q13.2.
Variant type: single nucleotide variant.
Coding change: c.3491T>C on transcript NM_001378418.1 (MANE Select); coding-DNA position 3491, T replaced by C.
Protein change: p.Leu1164Pro; replaces leucine 1164 with proline.
Molecular consequence: missense variant.
Genome position (GRCh38, 1-based): chr22:42,211,815, A>G on the plus strand (T>C on the coding strand, the complement: TCF20 is on the minus strand). VCF-style: chr22-42211815-A-G. GRCh37 (hg19) VCF-style: chr22-42607821-A-G.
Other names: c.3491T>C (NM_005650.1); c.3491T>C, p.Leu1164Pro (NM_005650.4, NM_181492.3); short protein forms L1164P.
Identifiers: ClinVar variation 2801619 (VCV002801619.4), dbSNP rs1920979533, ClinGen allele CA411786377.

ClinVar aggregate classification (germline): Uncertain significance. Review status: criteria provided, multiple submitters, no conflicts (2 of 4 stars). 2 submissions from 2 submitters: Uncertain significance (2). Last evaluated 2024-05-21.

Allele frequency attached by ClinVar (database versions not stated): TOPMed 0.00002.

Submissions (2):

GeneDx
Classification: Uncertain significance. Last evaluated: 2024-05-21. Review status: criteria provided, single submitter. Criteria: GeneDx Variant Classification Process June 2021. Collection method: clinical testing. Allele origin: germline. Affected: yes.
Comment: Not observed at significant frequency in large population cohorts (gnomAD); In silico analysis indicates that this missense variant does not alter protein structure/function; Has not been previously published as pathogenic or benign to our knowledge

Labcorp Genetics (formerly Invitae), Labcorp
Classification: Uncertain significance. Last evaluated: 2022-12-30. Review status: criteria provided, single submitter. Criteria: Invitae Variant Classification Sherloc (09022015). Collection method: clinical testing. Allele origin: germline.
Comment: In summary, the available evidence is currently insufficient to determine the role of this variant in disease. Therefore, it has been classified as a Variant of Uncertain Significance. Algorithms developed to predict the effect of missense changes on protein structure and function are either unavailable or do not agree on the potential impact of this missense change (SIFT: "Tolerated"; PolyPhen-2: "Possibly Damaging"; Align-GVGD: "Class C0"). This variant has not been reported in the literature in individuals affected with TCF20-related conditions. This variant is not present in population databases (gnomAD no frequency). This sequence change replaces leucine, which is neutral and non-polar, with proline, which is neutral and non-polar, at codon 1164 of the TCF20 protein (p.Leu1164Pro).